The following is an entry in ClinVar:

NM_012239.6(SIRT3):c.622G>A (p.Val208Ile)

Gene: SIRT3 (sirtuin 3; minus strand). Cytogenetic location: 11p15.5.
Variant type: single nucleotide variant.
Coding change: c.622G>A on transcript NM_012239.6 (MANE Select); coding-DNA position 622, G replaced by A.
Protein change: p.Val208Ile; replaces valine 208 with isoleucine.
Molecular consequence: missense variant. On other transcripts: non-coding transcript variant (17), intron variant (2).
Genome position (GRCh38, 1-based): chr11:233,067, C>T on the plus strand (G>A on the coding strand, the complement: SIRT3 is on the minus strand). VCF-style: chr11-233067-C-T. GRCh37 (hg19) VCF-style: chr11-233067-C-T.
Other names: c.196G>A, p.Val66Ile (NM_001017524.3, NM_001370318.1, NM_001370319.1 and 6 more transcripts); c.622G>A, p.Val208Ile (NM_001370310.1, NM_001370314.1); c.430G>A, p.Val144Ile (NM_001370312.1); c.379G>A, p.Val127Ile (NM_001370315.1); c.-10+3549G>A (NM_001370317.1); c.135+3127G>A (NM_001370316.1); short protein forms V127I, V144I, V208I, V66I.
Identifiers: ClinVar variation 3060261 (VCV003060261.2), dbSNP rs11246020, ClinGen allele CA5771147.

ClinVar aggregate classification (germline): Benign (0 of 4 stars; one submission).

Conditions:
SIRT3-related disorder. Also called: SIRT3-related condition.

Allele frequency attached by ClinVar (database versions not stated): 1000 Genomes Project 30x 0.11196; 1000 Genomes Project 0.11482; TOPMed 0.14600; gnomAD 0.15440; ESP Exome Variant Server 0.15547; ExAC 0.16638.
gnomAD v4.1: 311,940 of 1,613,830 alleles (19%); highest among the groups gnomAD compares: Middle Eastern, 23%; 32,075 homozygotes.

Submission:

PreventionGenetics, part of Exact Sciences
Classification: Benign for SIRT3-related condition. Last evaluated: 2019-11-27. Review status: no assertion criteria provided. Collection method: clinical testing. Allele origin: germline.
Comment: This variant is classified as benign based on ACMG/AMP sequence variant interpretation guidelines (Richards et al. 2015 PMID: 25741868, with internal and published modifications).